The following is an entry in ClinVar:

NM_003001.5(SDHC):c.457G>T (p.Val153Leu)

Gene: SDHC (succinate dehydrogenase complex subunit C; plus strand). Cytogenetic location: 1q23.3.
Variant type: single nucleotide variant.
Coding change: c.457G>T on transcript NM_003001.5 (MANE Select); coding-DNA position 457, G replaced by T.
Protein change: p.Val153Leu; replaces valine 153 with leucine.
Molecular consequence: missense variant.
Genome position (GRCh38, 1-based): chr1:161,362,380, G>T. VCF-style: chr1-161362380-G-T. GRCh37 (hg19) VCF-style: chr1-161332170-G-T.
Other names: c.293G>T, p.Ser98Ile (NM_001035511.3); c.355G>T, p.Val119Leu (NM_001035512.3); c.298G>T, p.Val100Leu (NM_001035513.3); c.191G>T, p.Ser64Ile (NM_001278172.3); c.577G>T, p.Val193Leu (NM_001407115.1); c.400G>T, p.Val134Leu (NM_001407116.1); c.394G>T, p.Val132Leu (NM_001407117.1); c.349G>T, p.Val117Leu (NM_001407118.1); and 2 more; short protein forms S64I, S79I, S98I, V100L, V116L, V117L, V119L, V132L.
Identifiers: ClinVar variation 1719742 (VCV001719742.4), dbSNP rs2526572822, ClinGen allele CA343457789.

ClinVar aggregate classification (germline): Uncertain significance (1 of 4 stars; one submission).

Conditions:
Pheochromocytoma/paraganglioma syndrome 3. Also called: GLOMUS TUMORS, FAMILIAL, 3; SDHC-Related Hereditary Paraganglioma-Pheochromocytoma Syndrome; SDHC-Related Hereditary Paraganglioma-Pheochromocytoma Syndrome (Paragangliomas 3); Paragangliomas 3. Identifiers: Orphanet 29072, MedGen C1854336, MONDO:0011544, OMIM 605373.
Gastrointestinal stromal tumor. Also called: Gastrointestinal stroma tumor; Gastrointestinal stromal tumor, somatic. Identifiers: Orphanet 44890, MedGen C0238198, MeSH D046152, MONDO:0011719, OMIM 606764, HP:0100723.

Submission:

Labcorp Genetics (formerly Invitae), Labcorp
Classification: Uncertain significance for Pheochromocytoma/paraganglioma syndrome 3; Gastrointestinal stromal tumor. Last evaluated: 2022-09-18. Review status: criteria provided, single submitter. Criteria: Invitae Variant Classification Sherloc (09022015). Collection method: clinical testing. Allele origin: germline.
Comment: In summary, the available evidence is currently insufficient to determine the role of this variant in disease. Therefore, it has been classified as a Variant of Uncertain Significance. Algorithms developed to predict the effect of missense changes on protein structure and function (SIFT, PolyPhen-2, Align-GVGD) all suggest that this variant is likely to be tolerated. This variant has not been reported in the literature in individuals affected with SDHC-related conditions. This variant is not present in population databases (gnomAD no frequency). This sequence change replaces valine, which is neutral and non-polar, with leucine, which is neutral and non-polar, at codon 153 of the SDHC protein (p.Val153Leu).